The following is an entry in ClinVar:

ClinVar aggregate classification (germline): Conflicting classifications of pathogenicity. Review status: criteria provided, conflicting classifications (1 of 4 stars). 3 submissions from 3 submitters: Uncertain significance (1); Benign (1); Likely benign (1). Last evaluated 2026-01-28.

Conditions:
Familial infantile myasthenia (CMS6). Also called: MYASTHENIC SYNDROME, PRESYNAPTIC, CONGENITAL, ASSOCIATED WITH EPISODIC APNEA; MYASTHENIC SYNDROME, CONGENITAL, 6, PRESYNAPTIC; Congenital myasthenic syndrome type 6. Identifiers: Orphanet 590, MedGen C0393929, MONDO:0009689, OMIM 254210.

Allele frequency attached by ClinVar (database versions not stated): gnomAD exomes 0.00044; 1000 Genomes Project 0.00080; 1000 Genomes Project 30x 0.00109; gnomAD 0.00125 and 0.00136; ESP Exome Variant Server 0.00146; TOPMed 0.00174.
gnomAD v4.1: 856 of 1,581,602 alleles (0.054%); highest among the groups gnomAD compares: African/African-American, 0.27%; 1 homozygote.

Submissions (3):

Labcorp Genetics (formerly Invitae), Labcorp
Classification: Benign for Familial infantile myasthenia. Last evaluated: 2026-01-28. Review status: criteria provided, single submitter. Criteria: Invitae Variant Classification Sherloc (09022015). Collection method: clinical testing. Allele origin: germline.

CeGaT Center for Human Genetics Tuebingen
Classification: Likely benign. Last evaluated: 2023-03-01. Review status: criteria provided, single submitter. Criteria: CeGaT Center For Human Genetics Tuebingen Variant Classification Criteria Version 2. Collection method: clinical testing. Allele origin: germline. Affected: yes. Observed: 1 variant allele.
Comment: CHAT: BP4, BP7

Eurofins Ntd Llc (ga)
Classification: Uncertain significance. Last evaluated: 2016-10-21. Review status: criteria provided, single submitter. Criteria: EGL Classification Definitions 2015. Collection method: clinical testing. Allele origin: germline. Observed: 1 variant allele, 1 heterozygote.

NM_020549.5(CHAT):c.909C>T (p.His303=)

Gene: CHAT (choline O-acetyltransferase; plus strand). Cytogenetic location: 10q11.23.
Variant type: single nucleotide variant.
Coding change: c.909C>T on transcript NM_020549.5 (MANE Select); coding-DNA position 909, C replaced by T.
Protein change: p.His303=; no amino-acid change (histidine 303 retained).
Molecular consequence: synonymous variant.
Genome position (GRCh38, 1-based): chr10:49,625,629, C>T. VCF-style: chr10-49625629-C-T. GRCh37 (hg19) VCF-style: chr10-50833675-C-T.
Other names: c.555C>T, p.His185= (NM_001142929.2, NM_001142934.2, NM_020984.4 and 2 more transcripts); c.663C>T, p.His221= (NM_001142933.2).
Identifiers: ClinVar variation 497741 (VCV000497741.39), dbSNP rs76570508, ClinGen allele CA5497294.